The following is an entry in ClinVar:

NM_000138.5(FBN1):c.2801A>G (p.Lys934Arg)

Gene: FBN1 (fibrillin 1; minus strand). Cytogenetic location: 15q21.1.
Variant type: single nucleotide variant.
Coding change: c.2801A>G on transcript NM_000138.5 (MANE Select); coding-DNA position 2801, A replaced by G.
Protein change: p.Lys934Arg; replaces lysine 934 with arginine.
Molecular consequence: missense variant.
Genome position (GRCh38, 1-based): chr15:48,492,514, T>C on the plus strand (A>G on the coding strand, the complement: FBN1 is on the minus strand). VCF-style: chr15-48492514-T-C. GRCh37 (hg19) VCF-style: chr15-48784711-T-C.
Other names: c.2801A>G, p.Lys934Arg (NM_001406716.1); short protein forms K934R.
Identifiers: ClinVar variation 2933369 (VCV002933369.3), dbSNP rs1489199503, ClinGen allele CA392330617.

ClinVar aggregate classification (germline): Uncertain significance (1 of 4 stars; one submission).

Conditions:
Marfan syndrome (MFS). Also called: MARFAN SYNDROME, TYPE I; Marfan syndrome type 1; Marfan's syndrome; Marfan syndrome, classic; FBN1-Related Marfan Syndrome. Identifiers: Orphanet 284963, Orphanet 558, MedGen C0024796, MONDO:0007947, OMIM 154700.
Familial thoracic aortic aneurysm and aortic dissection (TAAD). Also called: Thoracic aortic aneurysms and dissections. Identifiers: Orphanet 91387, MedGen C4707243, MONDO:0019625.

gnomAD v4.1: 2 of 1,613,422 alleles (0.00012%); highest among the groups gnomAD compares: Non-Finnish European, 0.000085%; no homozygotes.

Submission:

Labcorp Genetics (formerly Invitae), Labcorp
Classification: Uncertain significance for Marfan syndrome; Familial thoracic aortic aneurysm and aortic dissection. Last evaluated: 2025-05-19. Review status: criteria provided, single submitter. Criteria: Invitae Variant Classification Sherloc (09022015). Collection method: clinical testing. Allele origin: germline.
Comment: This sequence change replaces lysine, which is basic and polar, with arginine, which is basic and polar, at codon 934 of the FBN1 protein (p.Lys934Arg). This variant is not present in population databases (gnomAD no frequency). This variant has not been reported in the literature in individuals affected with FBN1-related conditions. ClinVar contains an entry for this variant (Variation ID: 2933369). Invitae Evidence Modeling of protein sequence and biophysical properties (such as structural, functional, and spatial information, amino acid conservation, physicochemical variation, residue mobility, and thermodynamic stability) indicates that this missense variant is not expected to disrupt FBN1 protein function with a negative predictive value of 95%. In summary, the available evidence is currently insufficient to determine the role of this variant in disease. Therefore, it has been classified as a Variant of Uncertain Significance.